The following is an entry in ClinVar:

NM_000494.4(COL17A1):c.836C>G (p.Ser279Ter)

Gene: COL17A1 (collagen type XVII alpha 1 chain; minus strand). Cytogenetic location: 10q25.1.
Variant type: single nucleotide variant.
Coding change: c.836C>G on transcript NM_000494.4 (MANE Select); coding-DNA position 836, C replaced by G.
Protein change: p.Ser279Ter; replaces serine 279 with a stop codon.
Molecular consequence: nonsense.
Genome position (GRCh38, 1-based): chr10:104,063,749, G>C on the plus strand (C>G on the coding strand, the complement: COL17A1 is on the minus strand). VCF-style: chr10-104063749-G-C. GRCh37 (hg19) VCF-style: chr10-105823507-G-C.
Other names: short protein forms S279*.
Identifiers: ClinVar variation 2862997 (VCV002862997.3), dbSNP rs2493360895, ClinGen allele CA378076624.

ClinVar aggregate classification (germline): Pathogenic (1 of 4 stars; one submission).

Allele frequency attached by ClinVar (database versions not stated): gnomAD exomes below 0.00001.
gnomAD v4.1: 1 of 1,614,172 alleles (0.000062%); highest among the groups gnomAD compares: South Asian, 0.0011%; no homozygotes.

Submission:

Labcorp Genetics (formerly Invitae), Labcorp
Classification: Pathogenic. Last evaluated: 2023-05-11. Review status: criteria provided, single submitter. Criteria: Invitae Variant Classification Sherloc (09022015). Collection method: clinical testing. Allele origin: germline.
Comment: This variant is not present in population databases (gnomAD no frequency). This sequence change creates a premature translational stop signal (p.Ser279*) in the COL17A1 gene. It is expected to result in an absent or disrupted protein product. Loss-of-function variants in COL17A1 are known to be pathogenic (PMID: 16473856, 17344927, 20301304, 21357940, 24319098). For these reasons, this variant has been classified as Pathogenic. This variant has not been reported in the literature in individuals affected with COL17A1-related conditions.

Literature cited by the submitters: PubMed 16473856; PubMed 17344927; PubMed 20301304; PubMed 21357940; PubMed 24319098.